The following is an entry in ClinVar:

NM_004612.4(TGFBR1):c.660G>T (p.Trp220Cys)

Gene: TGFBR1 (transforming growth factor beta receptor 1; plus strand). Cytogenetic location: 9q22.33.
Variant type: single nucleotide variant.
Coding change: c.660G>T on transcript NM_004612.4 (MANE Select); coding-DNA position 660, G replaced by T.
Protein change: p.Trp220Cys; replaces tryptophan 220 with cysteine.
Molecular consequence: missense variant. On other transcripts: non-coding transcript variant (4), intron variant (2).
Genome position (GRCh38, 1-based): chr9:99,137,944, G>T. VCF-style: chr9-99137944-G-T. GRCh37 (hg19) VCF-style: chr9-101900226-G-T.
Other names: c.429G>T, p.Trp143Cys (NM_001130916.3); c.672G>T, p.Trp224Cys (NM_001306210.2, NM_001407416.1); c.660G>T, p.Trp220Cys (NM_001407417.1); c.465G>T, p.Trp155Cys (NM_001407418.1, NM_001407419.1, NM_001407420.1 and 1 more transcripts); c.453G>T, p.Trp151Cys (NM_001407423.1, NM_001407424.1, NM_001407425.1 and 8 more transcripts); c.414G>T, p.Trp138Cys (NM_001407436.1); c.183G>T, p.Trp61Cys (NM_001407438.1); c.575-4592G>T (NM_001407435.1); and 1 more; short protein forms W138C, W143C, W151C, W155C, W220C, W224C, W61C.
Identifiers: ClinVar variation 2634056 (VCV002634056.1), dbSNP rs1013629735, ClinGen allele CA196889015.

ClinVar aggregate classification (germline): Uncertain significance (1 of 4 stars; one submission).

Conditions:
TGFBR1-related disorder. Also called: TGFBR1-related condition.

Allele frequency attached by ClinVar (database versions not stated): TOPMed 0.00001.

Submission:

PreventionGenetics, part of Exact Sciences
Classification: Uncertain significance for TGFBR1-related condition. Last evaluated: 2023-04-21. Review status: criteria provided, single submitter. Criteria: ACMG Guidelines, 2015. Collection method: clinical testing. Allele origin: germline.
Comment: The TGFBR1 c.660G>T variant is predicted to result in the amino acid substitution p.Trp220Cys. To our knowledge, this variant has not been reported in the literature or in a large population database, indicating this variant is rare. At this time, the clinical significance of this variant is uncertain due to the absence of conclusive functional and genetic evidence.